The following is an entry in ClinVar:

NM_001408.3(CELSR2):c.5867G>A (p.Arg1956His)

Gene: CELSR2 (cadherin EGF LAG seven-pass G-type receptor 2; plus strand). Cytogenetic location: 1p13.3.
Variant type: single nucleotide variant.
Coding change: c.5867G>A on transcript NM_001408.3 (MANE Select); coding-DNA position 5867, G replaced by A.
Protein change: p.Arg1956His; replaces arginine 1956 with histidine.
Molecular consequence: missense variant.
Genome position (GRCh38, 1-based): chr1:109,265,874, G>A. VCF-style: chr1-109265874-G-A. GRCh37 (hg19) VCF-style: chr1-109808496-G-A.
Other names: short protein forms R1956H.
Identifiers: ClinVar variation 4711102 (VCV004711102.1).

ClinVar aggregate classification (germline): Uncertain significance (1 of 4 stars; one submission).

gnomAD v4.1: 22 of 1,613,816 alleles (0.0014%); highest among the groups gnomAD compares: East Asian, 0.0089%; no homozygotes.

Submission:

Labcorp Genetics (formerly Invitae), Labcorp
Classification: Uncertain significance. Last evaluated: 2025-11-18. Review status: criteria provided, single submitter. Criteria: Invitae Variant Classification Sherloc (09022015). Collection method: clinical testing. Allele origin: germline.
Comment: This sequence change replaces arginine, which is basic and polar, with histidine, which is basic and polar, at codon 1956 of the CELSR2 protein (p.Arg1956His). This variant is present in population databases (no rsID available, gnomAD 0.006%). This variant has not been reported in the literature in individuals affected with CELSR2-related conditions. Invitae Evidence Modeling of protein sequence and biophysical properties (such as structural, functional, and spatial information, amino acid conservation, physicochemical variation, residue mobility, and thermodynamic stability) indicates that this missense variant is not expected to disrupt CELSR2 protein function with a negative predictive value of 80%. In summary, the available evidence is currently insufficient to determine the role of this variant in disease. Therefore, it has been classified as a Variant of Uncertain Significance.